The following is an entry in ClinVar:

NM_152327.5(AK7):c.498+1G>A

Gene: AK7 (adenylate kinase 7; plus strand). Cytogenetic location: 14q32.2.
Variant type: single nucleotide variant.
Coding change: c.498+1G>A on transcript NM_152327.5 (MANE Select); the canonical splice donor site of the intron after coding-DNA position 498, G replaced by A.
Molecular consequence: splice donor variant.
Genome position (GRCh38, 1-based): chr14:96,408,942, G>A. VCF-style: chr14-96408942-G-A. GRCh37 (hg19) VCF-style: chr14-96875279-G-A.
Other names: c.498+1G>A (NM_001350888.2, NM_001350890.2, NM_001350892.2 and 1 more transcripts).
Identifiers: ClinVar variation 2991655 (VCV002991655.3), dbSNP rs377123131, ClinGen allele CA7337490.

ClinVar aggregate classification (germline): Uncertain significance (1 of 4 stars; one submission).

Allele frequency attached by ClinVar (database versions not stated): gnomAD exomes 0.00001; ExAC 0.00002; TOPMed 0.00002; gnomAD 0.00003; ESP Exome Variant Server 0.00008; 1000 Genomes Project 30x 0.00016; 1000 Genomes Project 0.00020.
gnomAD v4.1: 25 of 1,613,864 alleles (0.0015%); highest among the groups gnomAD compares: East Asian, 0.0022%; no homozygotes.

Submission:

Labcorp Genetics (formerly Invitae), Labcorp
Classification: Uncertain significance. Last evaluated: 2023-11-21. Review status: criteria provided, single submitter. Criteria: Invitae Variant Classification Sherloc (09022015). Collection method: clinical testing. Allele origin: germline.
Comment: This sequence change affects a donor splice site in intron 4 of the AK7 gene. It is expected to disrupt RNA splicing. Variants that disrupt the donor or acceptor splice site typically lead to a loss of protein function (PMID: 16199547), however the current clinical and genetic evidence is not sufficient to establish whether loss-of-function variants in AK7 cause disease. This variant is present in population databases (rs377123131, gnomAD 0.004%). This variant has not been reported in the literature in individuals affected with AK7-related conditions. Algorithms developed to predict the effect of sequence changes on RNA splicing suggest that this variant may disrupt the consensus splice site. In summary, the available evidence is currently insufficient to determine the role of this variant in disease. Therefore, it has been classified as a Variant of Uncertain Significance.

Literature cited by the submitters: PubMed 16199547.